The following is an entry in ClinVar:

NM_005898.5(CAPRIN1):c.1934A>G (p.Asn645Ser)

Gene: CAPRIN1 (cell cycle associated protein 1; plus strand). Cytogenetic location: 11p13.
Variant type: single nucleotide variant.
Coding change: c.1934A>G on transcript NM_005898.5 (MANE Select); coding-DNA position 1934, A replaced by G.
Protein change: p.Asn645Ser; replaces asparagine 645 with serine.
Molecular consequence: missense variant.
Genome position (GRCh38, 1-based): chr11:34,097,229, A>G. VCF-style: chr11-34097229-A-G. GRCh37 (hg19) VCF-style: chr11-34118776-A-G.
Other names: c.1934A>G, p.Asn645Ser (NM_203364.3); short protein forms N645S.
Identifiers: ClinVar variation 4853049 (VCV004853049.1).

ClinVar aggregate classification (germline): Uncertain significance (1 of 4 stars; one submission).

gnomAD v4.1: 3 of 1,613,908 alleles (0.00019%); highest among the groups gnomAD compares: African/African-American, 0.0027%; no homozygotes.

Submission:

Women's Health and Genetics/Laboratory Corporation of America, LabCorp
Classification: Uncertain significance. Last evaluated: 2026-05-15. Review status: criteria provided, single submitter. Criteria: LabCorp Variant Classification Summary - May 2015. Collection method: clinical testing. Allele origin: germline.
Comment: Variant summary: CAPRIN1 c.1934A>G (p.Asn645Ser) results in a conservative amino acid change in the encoded protein sequence. Algorithms developed to predict the effect of missense changes on protein structure and function are either unavailable or do not agree on the potential impact of this missense change. The variant was absent in 251342 control chromosomes. The available data on variant occurrences in the general population are insufficient to allow any conclusion about variant significance. To our knowledge, no occurrence of c.1934A>G in individuals affected with CAPRIN1-related conditions and no experimental evidence demonstrating its impact on protein function have been reported. No submitters have cited clinical-significance assessments for this variant to ClinVar. Based on the evidence outlined above, the variant was classified as uncertain significance.